The following is an entry in ClinVar:

ClinVar aggregate classification (germline): Uncertain significance. Review status: criteria provided, multiple submitters, no conflicts (2 of 4 stars). 2 submissions from 2 submitters: Uncertain significance (2). Last evaluated 2026-01-01.

Conditions:
Hereditary cancer-predisposing syndrome. Also called: Tumor predisposition; Neoplastic Syndromes, Hereditary; Hereditary Cancer Syndrome; Hereditary neoplastic syndrome. Identifiers: Orphanet 140162, MedGen C0027672, MeSH D009386, MONDO:0015356.
POLD1-related polyposis and colorectal cancer syndrome (CRCS10). Also called: Colorectal cancer 10; COLORECTAL CANCER, SUSCEPTIBILITY TO, ON CHROMOSOME 19q; Colorectal cancer, susceptibility to, 10. Identifiers: Orphanet 220460, MedGen C2675481, MONDO:0012953, OMIM 612591.

Allele frequency attached by ClinVar (database versions not stated): gnomAD exomes below 0.00001; TOPMed below 0.00001.
gnomAD v4.1: 1 of 1,613,990 alleles (0.000062%); highest among the groups gnomAD compares: Non-Finnish European, 0.000085%; no homozygotes.

Submissions (2):

Labcorp Genetics (formerly Invitae), Labcorp
Classification: Uncertain significance for POLD1-related polyposis and colorectal cancer syndrome. Last evaluated: 2026-01-01. Review status: criteria provided, single submitter. Criteria: Invitae Variant Classification Sherloc (09022015). Collection method: clinical testing. Allele origin: germline.
Comment: This sequence change replaces serine, which is neutral and polar, with alanine, which is neutral and non-polar, at codon 604 of the POLD1 protein (p.Ser604Ala). This variant is not present in population databases (gnomAD no frequency). This variant has not been reported in the literature in individuals affected with POLD1-related conditions. ClinVar contains an entry for this variant (Variation ID: 537133). Invitae Evidence Modeling of protein sequence and biophysical properties (such as structural, functional, and spatial information, amino acid conservation, physicochemical variation, residue mobility, and thermodynamic stability) indicates that this missense variant is not expected to disrupt POLD1 protein function with a negative predictive value of 80%. In summary, the available evidence is currently insufficient to determine the role of this variant in disease. Therefore, it has been classified as a Variant of Uncertain Significance.

Ambry Genetics
Classification: Uncertain significance for Hereditary cancer-predisposing syndrome. Last evaluated: 2021-08-10. Review status: criteria provided, single submitter. Criteria: Ambry Variant Classification Scheme 2023. Collection method: clinical testing. Allele origin: germline.
Comment: The p.S604A variant (also known as c.1810T>G), located in coding exon 14 of the POLD1 gene, results from a T to G substitution at nucleotide position 1810. The serine at codon 604 is replaced by alanine, an amino acid with similar properties. This amino acid position is conserved. In addition, this alteration is predicted to be tolerated by in silico analysis. Since supporting evidence is limited at this time, the clinical significance of this alteration remains unclear.

NM_002691.4(POLD1):c.1810T>G (p.Ser604Ala)

Gene: POLD1 (DNA polymerase delta 1, catalytic subunit; plus strand). Cytogenetic location: 19q13.33.
Variant type: single nucleotide variant.
Coding change: c.1810T>G on transcript NM_002691.4 (MANE Select); coding-DNA position 1810, T replaced by G.
Protein change: p.Ser604Ala; replaces serine 604 with alanine.
Molecular consequence: missense variant. On other transcripts: non-coding transcript variant (1).
Genome position (GRCh38, 1-based): chr19:50,408,819, T>G. VCF-style: chr19-50408819-T-G. GRCh37 (hg19) VCF-style: chr19-50912076-T-G.
Other names: c.1810T>G, p.Ser604Ala (NM_001256849.1); c.1888T>G, p.Ser630Ala (NM_001308632.1); short protein forms S604A, S630A.
Identifiers: ClinVar variation 537133 (VCV000537133.10), dbSNP rs1555791780, ClinGen allele CA406982000.